The following is an entry in ClinVar:

ClinVar aggregate classification (germline): Uncertain significance (1 of 4 stars; one submission).

Submission:

GeneDx
Classification: Uncertain significance. Last evaluated: 2025-05-27. Review status: criteria provided, single submitter. Criteria: GeneDx Variant Classification Process June 2021. Collection method: clinical testing. Allele origin: germline. Affected: yes.
Comment: Not observed at significant frequency in large population cohorts (gnomAD); In silico analysis suggests that this missense variant does not alter protein structure/function; Has not been previously published as pathogenic or benign to our knowledge

NM_016312.3(WBP11):c.1872A>T (p.Gln624His)

Gene: WBP11 (WW domain binding protein 11; minus strand). Cytogenetic location: 12p12.3.
Variant type: single nucleotide variant.
Coding change: c.1872A>T on transcript NM_016312.3 (MANE Select); coding-DNA position 1872, A replaced by T.
Protein change: p.Gln624His; replaces glutamine 624 with histidine.
Molecular consequence: missense variant.
Genome position (GRCh38, 1-based): chr12:14,787,119, T>A on the plus strand (A>T on the coding strand, the complement: WBP11 is on the minus strand). VCF-style: chr12-14787119-T-A. GRCh37 (hg19) VCF-style: chr12-14940053-T-A.
Other names: short protein forms Q624H.
Identifiers: ClinVar variation 4532480 (VCV004532480.1).
Genomic context (GRCh38, chr12:14,787,119, plus strand): 5'-AAGCTGTCACAGTAGCCCTTCCATCTCTTTCATGAAAGCCTCATAGACATCATCCTTAGT[T>A]TGTACTGAGACAGGAACAGAAGGACCAGATTTGGGTGCTGCTTTGGCAAGAGGCACAGCA-3'
Protein context (NP_057396.1, residues 614-634): KSGPSVPVSV[Gln624His]TKDDVYEAFM